The following is an entry in ClinVar:

NM_018344.6(SLC29A3):c.1235A>G (p.Asp412Gly)

Gene: SLC29A3 (solute carrier family 29 member 3; plus strand). Cytogenetic location: 10q22.1.
Variant type: single nucleotide variant.
Coding change: c.1235A>G on transcript NM_018344.6 (MANE Select); coding-DNA position 1235, A replaced by G.
Protein change: p.Asp412Gly; replaces aspartic acid 412 with glycine.
Molecular consequence: missense variant. On other transcripts: 3 prime UTR variant (1), non-coding transcript variant (2).
Genome position (GRCh38, 1-based): chr10:71,362,415, A>G. VCF-style: chr10-71362415-A-G. GRCh37 (hg19) VCF-style: chr10-73122172-A-G.
Other names: c.*464A>G (NM_001174098.2); c.1001A>G, p.Asp334Gly (NM_001363518.2); short protein forms D334G, D412G.
Identifiers: ClinVar variation 1054535 (VCV001054535.8), dbSNP rs771819865, ClinGen allele CA5543160.

ClinVar aggregate classification (germline): Uncertain significance. Review status: criteria provided, single submitter (1 of 4 stars). 3 submissions from 3 submitters: Uncertain significance (1). 2 of the submissions do not count toward it. Last evaluated 2022-08-31.

Conditions:
H syndrome. Also called: FAISALABAD HISTIOCYTOSIS; HISTIOCYTOSIS AND LYMPHADENOPATHY WITH OR WITHOUT CUTANEOUS, CARDIAC, AND/OR ENDOCRINE FEATURES, JOINT CONTRACTURES, AND/OR DEAFNESS; HYPERPIGMENTATION, CUTANEOUS, WITH HYPERTRICHOSIS, HEPATOSPLENOMEGALY, HEART ANOMALIES, AND HYPOGONADISM WITH OR WITHOUT HEARING LOSS; PIGMENTED HYPERTRICHOSIS WITH INSULIN-DEPENDENT DIABETES MELLITUS; ROSAI-DORFMAN DISEASE, FAMILIAL; SINUS HISTIOCYTOSIS AND MASSIVE LYMPHADENOPATHY. Identifiers: Orphanet 168569, MedGen C1864445, MONDO:0011273, OMIM 602782.

Allele frequency attached by ClinVar (database versions not stated): gnomAD exomes below 0.00001; ExAC 0.00001; gnomAD 0.00001; TOPMed 0.00002.
gnomAD v4.1: 11 of 1,613,976 alleles (0.00068%); highest among the groups gnomAD compares: Admixed American, 0.0017%; no homozygotes.

Submissions (3):

Labcorp Genetics (formerly Invitae), Labcorp
Classification: Uncertain significance for H syndrome. Last evaluated: 2022-08-31. Review status: criteria provided, single submitter. Criteria: Invitae Variant Classification Sherloc (09022015). Collection method: clinical testing. Allele origin: germline.
Comment: In summary, the available evidence is currently insufficient to determine the role of this variant in disease. Therefore, it has been classified as a Variant of Uncertain Significance. Algorithms developed to predict the effect of sequence changes on RNA splicing suggest that this variant may create or strengthen a splice site. Algorithms developed to predict the effect of missense changes on protein structure and function are either unavailable or do not agree on the potential impact of this missense change (SIFT: "Deleterious"; PolyPhen-2: "Probably Damaging"; Align-GVGD: "Class C0"). ClinVar contains an entry for this variant (Variation ID: 1054535). This variant has not been reported in the literature in individuals affected with SLC29A3-related conditions. This variant is present in population databases (rs771819865, gnomAD 0.0009%). This sequence change replaces aspartic acid, which is acidic and polar, with glycine, which is neutral and non-polar, at codon 412 of the SLC29A3 protein (p.Asp412Gly).

Clinical Genetics DNA and cytogenetics Diagnostics Lab, Erasmus MC, Erasmus Medical Center
Classification: Uncertain significance. Review status: no assertion criteria provided. Collection method: clinical testing. Allele origin: germline. Affected: yes. Study: VKGL Data-share Consensus. Not counted in ClinVar's aggregate classification.

Laboratory of Diagnostic Genome Analysis, Leiden University Medical Center (LUMC)
Classification: Uncertain significance. Review status: no assertion criteria provided. Collection method: clinical testing. Allele origin: germline. Affected: yes. Study: VKGL Data-share Consensus. Not counted in ClinVar's aggregate classification.